The following is an entry in ClinVar:

NM_004304.5(ALK):c.4585G>A (p.Asp1529Asn)

Gene: ALK (ALK receptor tyrosine kinase; minus strand). Cytogenetic location: 2p23.2.
Variant type: single nucleotide variant.
Coding change: c.4585G>A on transcript NM_004304.5 (MANE Select); coding-DNA position 4585, G replaced by A.
Protein change: p.Asp1529Asn; replaces aspartic acid 1529 with asparagine.
Molecular consequence: missense variant.
Genome position (GRCh38, 1-based): chr2:29,193,502, C>T on the plus strand (G>A on the coding strand, the complement: ALK is on the minus strand). VCF-style: chr2-29193502-C-T. GRCh37 (hg19) VCF-style: chr2-29416368-C-T.
Other names: c.1381G>A, p.Asp461Asn (NM_001353765.2); short protein forms D1529N, D461N.
Identifiers: ClinVar variation 404359 (VCV000404359.13), dbSNP rs779663817, ClinGen allele CA1593537.

ClinVar aggregate classification (germline): Uncertain significance. Review status: criteria provided, multiple submitters, no conflicts (2 of 4 stars). 3 submissions from 3 submitters: Uncertain significance (3). Last evaluated 2025-07-31.

Conditions:
Hereditary cancer-predisposing syndrome. Also called: Tumor predisposition; Neoplastic Syndromes, Hereditary; Hereditary Cancer Syndrome; Hereditary neoplastic syndrome. Identifiers: Orphanet 140162, MedGen C0027672, MeSH D009386, MONDO:0015356.
Neuroblastoma, susceptibility to, 3. Also called: ALK-Related Neuroblastic Tumor Susceptibility. Identifiers: Orphanet 635, MedGen C2751681, MONDO:0013083, OMIM 613014.

Allele frequency attached by ClinVar (database versions not stated): gnomAD 0.00001 and 0.00002; ExAC 0.00002; gnomAD exomes 0.00002; TOPMed 0.00002.
gnomAD v4.1: 36 of 1,614,056 alleles (0.0022%); highest among the groups gnomAD compares: South Asian, 0.0033%; no homozygotes.

Submissions (3):

Labcorp Genetics (formerly Invitae), Labcorp
Classification: Uncertain significance for Neuroblastoma, susceptibility to, 3. Last evaluated: 2025-07-31. Review status: criteria provided, single submitter. Criteria: Invitae Variant Classification Sherloc (09022015). Collection method: clinical testing. Allele origin: germline.
Comment: This sequence change replaces aspartic acid, which is acidic and polar, with asparagine, which is neutral and polar, at codon 1529 of the ALK protein (p.Asp1529Asn). This variant is present in population databases (rs779663817, gnomAD 0.003%). This variant has not been reported in the literature in individuals affected with ALK-related conditions. ClinVar contains an entry for this variant (Variation ID: 404359). An algorithm developed to predict the effect of missense changes on protein structure and function (PolyPhen-2) suggests that this variant is likely to be tolerated. In summary, the available evidence is currently insufficient to determine the role of this variant in disease. Therefore, it has been classified as a Variant of Uncertain Significance.

Ambry Genetics
Classification: Uncertain significance for Hereditary cancer-predisposing syndrome. Last evaluated: 2024-04-22. Review status: criteria provided, single submitter. Criteria: Ambry Variant Classification Scheme 2023. Collection method: clinical testing. Allele origin: germline.
Comment: The p.D1529N variant (also known as c.4585G>A), located in coding exon 29 of the ALK gene, results from a G to A substitution at nucleotide position 4585. The aspartic acid at codon 1529 is replaced by asparagine, an amino acid with highly similar properties. This amino acid position is conserved. In addition, this alteration is predicted to be tolerated by in silico analysis. Since supporting evidence is limited at this time, the clinical significance of this alteration remains unclear.

Baylor Genetics
Classification: Uncertain significance for Neuroblastoma, susceptibility to, 3. Last evaluated: 2018-12-07. Review status: criteria provided, single submitter. Criteria: ACMG Guidelines, 2015. Collection method: clinical testing. Allele origin: maternal. Affected: yes. Study: CSER-TexasKidsCanSeq.
Comment: This variant was determined to be of uncertain significance according to ACMG Guidelines, 2015 [PMID:25741868].